The following is an entry in ClinVar:

NM_014855.3(AP5Z1):c.2414T>C (p.Met805Thr)

Gene: AP5Z1 (adaptor related protein complex 5 subunit zeta 1; plus strand). Cytogenetic location: 7p22.1.
Variant type: single nucleotide variant.
Coding change: c.2414T>C on transcript NM_014855.3 (MANE Select); coding-DNA position 2414, T replaced by C.
Protein change: p.Met805Thr; replaces methionine 805 with threonine.
Molecular consequence: missense variant. On other transcripts: non-coding transcript variant (1).
Genome position (GRCh38, 1-based): chr7:4,791,375, T>C. VCF-style: chr7-4791375-T-C. GRCh37 (hg19) VCF-style: chr7-4831006-T-C.
Other names: c.1946T>C, p.Met649Thr (NM_001364858.1); short protein forms M649T, M805T.
Identifiers: ClinVar variation 864059 (VCV000864059.5), dbSNP rs1287234215, ClinGen allele CA366666115.

ClinVar aggregate classification (germline): Uncertain significance (1 of 4 stars; one submission).

Conditions:
Hereditary spastic paraplegia 48. Also called: SPASTIC PARAPLEGIA 48, AUTOSOMAL RECESSIVE; Spastic paraplegia 48. Identifiers: Orphanet 306511, MedGen C3150901, MONDO:0013342, OMIM 613647.

Allele frequency attached by ClinVar (database versions not stated): gnomAD exomes below 0.00001; TOPMed below 0.00001; gnomAD 0.00001.
gnomAD v4.1: 6 of 1,605,754 alleles (0.00037%); highest among the groups gnomAD compares: Non-Finnish European, 0.00042%; no homozygotes.

Submission:

Labcorp Genetics (formerly Invitae), Labcorp
Classification: Uncertain significance for Hereditary spastic paraplegia 48. Last evaluated: 2022-04-18. Review status: criteria provided, single submitter. Criteria: Invitae Variant Classification Sherloc (09022015). Collection method: clinical testing. Allele origin: germline.
Comment: In summary, the available evidence is currently insufficient to determine the role of this variant in disease. Therefore, it has been classified as a Variant of Uncertain Significance. Algorithms developed to predict the effect of missense changes on protein structure and function are either unavailable or do not agree on the potential impact of this missense change (SIFT: "Deleterious"; PolyPhen-2: "Benign"; Align-GVGD: "Class C0"). ClinVar contains an entry for this variant (Variation ID: 864059). This variant has not been reported in the literature in individuals affected with AP5Z1-related conditions. The frequency data for this variant in the population databases is considered unreliable, as metrics indicate poor data quality at this position in the gnomAD database. This sequence change replaces methionine, which is neutral and non-polar, with threonine, which is neutral and polar, at codon 805 of the AP5Z1 protein (p.Met805Thr).